The following is an entry in ClinVar:

ClinVar aggregate classification (germline): Uncertain significance. Review status: criteria provided, multiple submitters, no conflicts (2 of 4 stars). 2 submissions from 2 submitters: Uncertain significance (2). Last evaluated 2024-01-03.

Conditions:
Inborn genetic diseases. Identifiers: MedGen C0950123, MeSH D030342.

Allele frequency attached by ClinVar (database versions not stated): gnomAD exomes 0.00003; ExAC 0.00004; gnomAD 0.00005; TOPMed 0.00007; 1000 Genomes Project 30x 0.00016; 1000 Genomes Project 0.00020.
gnomAD v4.1: 47 of 1,613,770 alleles (0.0029%); highest among the groups gnomAD compares: Middle Eastern, 0.016%; no homozygotes.

Submissions (2):

Ambry Genetics
Classification: Uncertain significance for Inborn genetic diseases. Last evaluated: 2024-01-03. Review status: criteria provided, single submitter. Criteria: Ambry Variant Classification Scheme 2023. Collection method: clinical testing. Allele origin: germline.

Labcorp Genetics (formerly Invitae), Labcorp
Classification: Uncertain significance. Last evaluated: 2023-03-12. Review status: criteria provided, single submitter. Criteria: Invitae Variant Classification Sherloc (09022015). Collection method: clinical testing. Allele origin: germline.
Comment: An algorithm developed to predict the effect of missense changes on protein structure and function (PolyPhen-2) suggests that this variant is likely to be disruptive. In summary, the available evidence is currently insufficient to determine the role of this variant in disease. Therefore, it has been classified as a Variant of Uncertain Significance. This variant has not been reported in the literature in individuals affected with COL8A2-related conditions. This variant is present in population databases (rs200185433, gnomAD 0.008%). This sequence change replaces valine, which is neutral and non-polar, with isoleucine, which is neutral and non-polar, at codon 628 of the COL8A2 protein (p.Val628Ile).

NM_005202.4(COL8A2):c.1882G>A (p.Val628Ile)

Gene: COL8A2 (collagen type VIII alpha 2 chain; minus strand). Cytogenetic location: 1p34.3.
Variant type: single nucleotide variant.
Coding change: c.1882G>A on transcript NM_005202.4 (MANE Select); coding-DNA position 1882, G replaced by A.
Protein change: p.Val628Ile; replaces valine 628 with isoleucine.
Molecular consequence: missense variant.
Genome position (GRCh38, 1-based): chr1:36,097,799, C>T on the plus strand (G>A on the coding strand, the complement: COL8A2 is on the minus strand). VCF-style: chr1-36097799-C-T. GRCh37 (hg19) VCF-style: chr1-36563400-C-T.
Other names: c.1882G>A (NM_005202.2); c.1687G>A, p.Val563Ile (NM_001294347.2); short protein forms V628I, V563I.
Identifiers: ClinVar variation 2717328 (VCV002717328.4), dbSNP rs200185433, ClinGen allele CA764848.